The following is an entry in ClinVar:

NM_001134831.2(AHI1):c.189+7A>G

Gene: AHI1 (Abelson helper integration site 1; minus strand). Cytogenetic location: 6q23.3.
Variant type: single nucleotide variant.
Coding change: c.189+7A>G on transcript NM_001134831.2 (MANE Select); 7 bases into the intron after coding-DNA position 189, A replaced by G.
Molecular consequence: intron variant.
Genome position (GRCh38, 1-based): chr6:135,467,574, T>C on the plus strand (A>G on the coding strand, the complement: AHI1 is on the minus strand). VCF-style: chr6-135467574-T-C. GRCh37 (hg19) VCF-style: chr6-135788712-T-C.
Other names: c.189+7A>G (NM_001134830.2, NM_001350503.2, NM_017651.5 and 3 more transcripts).
Identifiers: ClinVar variation 2067454 (VCV002067454.5), dbSNP rs539008564, ClinGen allele CA148150174.

ClinVar aggregate classification (germline): Likely benign. Review status: criteria provided, multiple submitters, no conflicts (2 of 4 stars). 2 submissions from 2 submitters: Likely benign (2). Last evaluated 2026-04-21.

Conditions:
AHI1-related disorder. Also called: AHI1-related condition.
Joubert syndrome. Also called: Familial aplasia of the vermis; JOUBERT-BOLTSHAUSER SYNDROME. Identifiers: Orphanet 475, MedGen C5979921, MONDO:0018772.

Allele frequency attached by ClinVar (database versions not stated): gnomAD exomes 0.00001.

Submissions (2):

PreventionGenetics, part of Exact Sciences
Classification: Likely benign for AHI1-related condition. Last evaluated: 2026-04-21. Review status: criteria provided, single submitter. Criteria: ACMG Guidelines, 2015. Collection method: clinical testing. Allele origin: germline.
Comment: This variant is classified as likely benign based on ACMG/AMP sequence variant interpretation guidelines (Richards et al. 2015 PMID: 25741868, with internal and published modifications).

Labcorp Genetics (formerly Invitae), Labcorp
Classification: Likely benign for Joubert syndrome. Last evaluated: 2025-10-23. Review status: criteria provided, single submitter. Criteria: Invitae Variant Classification Sherloc (09022015). Collection method: clinical testing. Allele origin: germline.